The following is an entry in ClinVar:

NM_001184900.3(CARD8):c.8A>G (p.Lys3Arg)

Gene: CARD8 (caspase recruitment domain family member 8; minus strand). Cytogenetic location: 19q13.33.
Variant type: single nucleotide variant.
Coding change: c.8A>G on transcript NM_001184900.3 (MANE Select); coding-DNA position 8, A replaced by G.
Protein change: p.Lys3Arg; replaces lysine 3 with arginine.
Molecular consequence: missense variant. On other transcripts: 5 prime UTR variant (7), non-coding transcript variant (4).
Genome position (GRCh38, 1-based): chr19:48,241,013, T>C on the plus strand (A>G on the coding strand, the complement: CARD8 is on the minus strand). VCF-style: chr19-48241013-T-C. GRCh37 (hg19) VCF-style: chr19-48744270-T-C.
Other names: c.8A>G, p.Lys3Arg (NM_001184901.1, NM_001184902.2, NM_001184903.1 and 6 more transcripts); c.-117A>G (NM_001351784.2, NM_001351787.2, NM_001351791.2 and 2 more transcripts); c.-331A>G (NM_001351786.2); c.-195A>G (NM_001351790.2); c.-624A>G (NM_001426741.1); short protein forms K3R.
Identifiers: ClinVar variation 2970419 (VCV002970419.3), dbSNP rs1181515064, ClinGen allele CA406648678.

ClinVar aggregate classification (germline): Uncertain significance (1 of 4 stars; one submission).

Allele frequency attached by ClinVar (database versions not stated): gnomAD 0.00001; gnomAD exomes 0.00001; TOPMed 0.00001.
gnomAD v4.1: 20 of 1,535,888 alleles (0.0013%); highest among the groups gnomAD compares: Non-Finnish European, 0.0016%; no homozygotes.

Submission:

Labcorp Genetics (formerly Invitae), Labcorp
Classification: Uncertain significance. Last evaluated: 2024-08-06. Review status: criteria provided, single submitter. Criteria: Invitae Variant Classification Sherloc (09022015). Collection method: clinical testing. Allele origin: germline.
Comment: This sequence change replaces lysine, which is basic and polar, with arginine, which is basic and polar, at codon 3 of the CARD8 protein (p.Lys3Arg). This variant is present in population databases (no rsID available, gnomAD 0.004%). This variant has not been reported in the literature in individuals affected with CARD8-related conditions. An algorithm developed to predict the effect of missense changes on protein structure and function outputs the following: PolyPhen-2: "Not Available". The arginine amino acid residue is found in multiple mammalian species, which suggests that this missense change does not adversely affect protein function. In summary, the available evidence is currently insufficient to determine the role of this variant in disease. Therefore, it has been classified as a Variant of Uncertain Significance.